The following is an entry in ClinVar:

NM_172369.5(C1QC):c.643G>A (p.Glu215Lys)

Gene: C1QC (complement C1q C chain; plus strand). Cytogenetic location: 1p36.12.
Variant type: single nucleotide variant.
Coding change: c.643G>A on transcript NM_172369.5 (MANE Select); coding-DNA position 643, G replaced by A.
Protein change: p.Glu215Lys; replaces glutamic acid 215 with lysine.
Molecular consequence: missense variant.
Genome position (GRCh38, 1-based): chr1:22,647,688, G>A. VCF-style: chr1-22647688-G-A. GRCh37 (hg19) VCF-style: chr1-22974181-G-A.
Other names: c.643G>A, p.Glu215Lys (NM_001114101.3, NM_001347619.2); c.376G>A, p.Glu126Lys (NM_001347620.2); short protein forms E126K, E215K.
Identifiers: ClinVar variation 4748123 (VCV004748123.1).

ClinVar aggregate classification (germline): Uncertain significance (1 of 4 stars; one submission).

Submission:

Labcorp Genetics (formerly Invitae), Labcorp
Classification: Uncertain significance. Last evaluated: 2025-03-09. Review status: criteria provided, single submitter. Criteria: Invitae Variant Classification Sherloc (09022015). Collection method: clinical testing. Allele origin: germline.
Comment: This sequence change replaces glutamic acid, which is acidic and polar, with lysine, which is basic and polar, at codon 215 of the C1QC protein (p.Glu215Lys). This variant is present in population databases (rs750272291, gnomAD 0.007%). This variant has not been reported in the literature in individuals affected with C1QC-related conditions. An algorithm developed to predict the effect of missense changes on protein structure and function (PolyPhen-2) suggests that this variant is likely to be tolerated. In summary, the available evidence is currently insufficient to determine the role of this variant in disease. Therefore, it has been classified as a Variant of Uncertain Significance.